The following is an entry in ClinVar:

ClinVar aggregate classification (germline): Uncertain significance. Review status: criteria provided, multiple submitters, no conflicts (2 of 4 stars). 7 submissions from 7 submitters: Uncertain significance (7). Last evaluated 2025-04-28.

Conditions:
Hypertrophic cardiomyopathy 10. Also called: CARDIOMYOPATHY, HYPERTROPHIC, MID-LEFT VENTRICULAR CHAMBER TYPE, 2; MYL2-Related Familial Hypertrophic Cardiomyopathy. Identifiers: MedGen C1834460, MONDO:0012112, OMIM 608758.
Myopathy, myofibrillar, 12, infantile-onset, with cardiomyopathy. Identifiers: MedGen C5561937, MONDO:0859168, OMIM 619424.
Cardiovascular phenotype. Identifiers: MedGen CN230736.
Cardiomyopathy (CMYO). Also called: Cardiomyopathies. Identifiers: Orphanet 167848, MedGen C0878544, MONDO:0004994, HP:0001638. Inheritance: Various modes of inheritance.
Hypertrophic cardiomyopathy. Also called: HYPERTROPHIC MYOCARDIOPATHY. Identifiers: Orphanet 217569, MedGen C0007194, MeSH D002312, MONDO:0005045, HP:0001639.

Allele frequency attached by ClinVar (database versions not stated): gnomAD exomes below 0.00001; ExAC 0.00001; gnomAD 0.00001.
gnomAD v4.1: 7 of 1,614,094 alleles (0.00043%); highest among the groups gnomAD compares: Non-Finnish European, 0.00059%; no homozygotes.

Submissions (7):

Labcorp Genetics (formerly Invitae), Labcorp
Classification: Uncertain significance for Hypertrophic cardiomyopathy 10. Last evaluated: 2025-04-28. Review status: criteria provided, single submitter. Criteria: Invitae Variant Classification Sherloc (09022015). Collection method: clinical testing. Allele origin: germline.
Comment: This sequence change replaces arginine, which is basic and polar, with glycine, which is neutral and non-polar, at codon 120 of the MYL2 protein (p.Arg120Gly). This variant is present in population databases (rs397516404, gnomAD 0.0009%). This missense change has been observed in individual(s) with hypertrophic cardiomyopathy (PMID: 26936621). ClinVar contains an entry for this variant (Variation ID: 181434). An algorithm developed to predict the effect of missense changes on protein structure and function (PolyPhen-2) suggests that this variant is likely to be tolerated. In summary, the available evidence is currently insufficient to determine the role of this variant in disease. Therefore, it has been classified as a Variant of Uncertain Significance.

All of Us Research Program, National Institutes of Health
Classification: Uncertain significance for Hypertrophic cardiomyopathy. Last evaluated: 2024-06-09. Review status: criteria provided, single submitter. Criteria: ACMG Guidelines, 2015. Collection method: clinical testing. Allele origin: germline. Inheritance: Autosomal dominant inheritance. Observed: 11 variant alleles, 11 heterozygotes.
Comment: This missense variant replaces arginine with glycine at codon 120 of the MYL2 protein. Computational prediction suggests that this variant may not impact protein structure and function (internally defined REVEL score threshold <= 0.5, PMID: 27666373). To our knowledge, functional studies have not been reported for this variant. This variant has been reported in an individual affected with hypertrophic cardiomyopathy, who also carried a pathogenic variant in the TNNT 2 gene that could explain the observed phenotype (PMID: 26936621). This variant has been identified in 1/251486 chromosomes in the general population by the Genome Aggregation Database (gnomAD). The available evidence is insufficient to determine the role of this variant in disease conclusively. Therefore, this variant is classified as a Variant of Uncertain Significance.

This study involves interpretation of variants in research participants for the purpose of population health screening. Participant phenotype was not available at the time of variant classification. Additional details can be found in publication PMID: 35346344, PMCID: PMC8962531

Color Diagnostics, LLC DBA Color Health
Classification: Uncertain significance for Cardiomyopathy. Last evaluated: 2024-05-20. Review status: criteria provided, single submitter. Criteria: ACMG Guidelines, 2015. Collection method: clinical testing. Allele origin: germline.
Comment: This missense variant replaces arginine with glycine at codon 120 of the MYL2 protein. Computational prediction tools indicate that this variant has a neutral impact on protein structure and function. To our knowledge, functional studies have not been reported for this variant. This variant has been reported in one individual affected with hypertrophic cardiomyopathy, who also carried a pathogenic variant in the TNNT2 gene (PMID: 26936621). This variant has been identified in 1/251486 chromosomes in the general population by the Genome Aggregation Database (gnomAD). The available evidence is insufficient to determine the role of this variant in disease conclusively. Therefore, this variant is classified as a Variant of Uncertain Significance.

Ambry Genetics
Classification: Uncertain significance for Cardiovascular phenotype. Last evaluated: 2023-07-06. Review status: criteria provided, single submitter. Criteria: Ambry Variant Classification Scheme 2023. Collection method: clinical testing. Allele origin: germline.
Comment: The p.R120G variant (also known as c.358C>G), located in coding exon 6 of the MYL2 gene, results from a C to G substitution at nucleotide position 358. The arginine at codon 120 is replaced by glycine, an amino acid with dissimilar properties. This alteration has been reported in a hypertrophic cardiomyopathy cohort; however, clinical details were limited and an additional alteration in TNNT2 was identified (Bales ND et al. Pediatr Cardiol, 2016 Jun;37:845-51). This amino acid position is poorly conserved in available vertebrate species. In addition, the in silico prediction for this alteration is inconclusive. Since supporting evidence is limited at this time, the clinical significance of this alteration remains unclear.

Fulgent Genetics
Classification: Uncertain significance for Hypertrophic cardiomyopathy 10; Myopathy, myofibrillar, 12, infantile-onset, with cardiomyopathy. Last evaluated: 2021-09-18. Review status: criteria provided, single submitter. Criteria: ACMG Guidelines, 2015. Collection method: clinical testing. Allele origin: unknown.

Illumina Laboratory Services, Illumina
Classification: Uncertain significance for Hypertrophic cardiomyopathy 10. Last evaluated: 2017-09-15. Review status: criteria provided, single submitter. Criteria: ICSL Variant Classification Criteria 13 December 2019. Collection method: clinical testing. Allele origin: germline.
Comment: This variant was observed as part of a predisposition screen in an ostensibly healthy population. A literature search was performed for the gene, cDNA change, and amino acid change (where applicable). Publications were found based on this search. However, the evidence from the literature, in combination with allele frequency data from public databases where available, was not sufficient to rule this variant in or out of causing disease. Therefore, this variant is classified as a variant of unknown significance.

Biesecker Lab/Clinical Genomics Section, National Institutes of Health
Classification: Uncertain significance. Last evaluated: 2013-06-24. Review status: criteria provided, single submitter. Criteria: Ng et al. (Circ Cardiovasc Genet. 2013). Collection method: research. Allele origin: unknown. Observed: 1 variant allele. Study: ClinSeq.
Comment: The study set was not selected for affection status in relation to any cancer. Pathogenicity categories were based on literature curation. See Pubmed ID:23861362 for details.

Medical sequencing

Literature cited by the submitters: PubMed 26936621 (cited by 5 submitters).

NM_000432.4(MYL2):c.358C>G (p.Arg120Gly)

Gene: MYL2 (myosin light chain 2; minus strand). Cytogenetic location: 12q24.11.
Variant type: single nucleotide variant.
Coding change: c.358C>G on transcript NM_000432.4 (MANE Select); coding-DNA position 358, C replaced by G.
Protein change: p.Arg120Gly; replaces arginine 120 with glycine.
Molecular consequence: missense variant.
Genome position (GRCh38, 1-based): chr12:110,913,140, G>C on the plus strand (C>G on the coding strand, the complement: MYL2 is on the minus strand). VCF-style: chr12-110913140-G-C. GRCh37 (hg19) VCF-style: chr12-111350944-G-C.
Other names: short protein forms R120G.
Identifiers: ClinVar variation 181434 (VCV000181434.21), dbSNP rs397516404, ClinGen allele CA010193.